The following is an entry in ClinVar:

NM_032387.5(WNK4):c.3559C>T (p.Arg1187Cys)

Gene: WNK4 (WNK lysine deficient protein kinase 4; plus strand). Cytogenetic location: 17q21.2.
Variant type: single nucleotide variant.
Coding change: c.3559C>T on transcript NM_032387.5 (MANE Select); coding-DNA position 3559, C replaced by T.
Protein change: p.Arg1187Cys; replaces arginine 1187 with cysteine.
Molecular consequence: missense variant.
Genome position (GRCh38, 1-based): chr17:42,796,250, C>T. VCF-style: chr17-42796250-C-T. GRCh37 (hg19) VCF-style: chr17-40948268-C-T.
Other names: c.2551C>T, p.Arg851Cys (NM_001321299.2); short protein forms R1187C, R851C.
Identifiers: ClinVar variation 1988751 (VCV001988751.6), dbSNP rs750973929, ClinGen allele CA8584629.

ClinVar aggregate classification (germline): Uncertain significance. Review status: criteria provided, multiple submitters, no conflicts (2 of 4 stars). 2 submissions from 2 submitters: Uncertain significance (2). Last evaluated 2025-03-20.

Conditions:
Inborn genetic diseases. Identifiers: MedGen C0950123, MeSH D030342.

Allele frequency attached by ClinVar (database versions not stated): ExAC 0.00001; gnomAD exomes 0.00002; gnomAD 0.00004; TOPMed 0.00004.
gnomAD v4.1: 30 of 1,611,408 alleles (0.0019%); highest among the groups gnomAD compares: Admixed American, 0.01%; no homozygotes.

Submissions (2):

Ambry Genetics
Classification: Uncertain significance for Inborn genetic diseases. Last evaluated: 2025-03-20. Review status: criteria provided, single submitter. Criteria: Ambry Variant Classification Scheme 2023. Collection method: clinical testing. Allele origin: germline.

Labcorp Genetics (formerly Invitae), Labcorp
Classification: Uncertain significance. Last evaluated: 2024-06-20. Review status: criteria provided, single submitter. Criteria: Invitae Variant Classification Sherloc (09022015). Collection method: clinical testing. Allele origin: germline.
Comment: This sequence change replaces arginine, which is basic and polar, with cysteine, which is neutral and slightly polar, at codon 1187 of the WNK4 protein (p.Arg1187Cys). This variant is present in population databases (rs750973929, gnomAD 0.01%). This missense change has been observed in individual(s) with clinical features of WNK4-related conditions (PMID: 28915228). ClinVar contains an entry for this variant (Variation ID: 1988751). Advanced modeling of protein sequence and biophysical properties (such as structural, functional, and spatial information, amino acid conservation, physicochemical variation, residue mobility, and thermodynamic stability) performed at Invitae indicates that this missense variant is not expected to disrupt WNK4 protein function with a negative predictive value of 95%. In summary, the available evidence is currently insufficient to determine the role of this variant in disease. Therefore, it has been classified as a Variant of Uncertain Significance.

Literature cited by the submitters: PubMed 28915228 (cited by Labcorp Genetics (formerly Invitae), Labcorp).